The following is an entry in ClinVar:

NM_000179.3(MSH6):c.4083GACT[1] (p.Ter1361=)

Gene: MSH6 (mutS homolog 6; plus strand). Cytogenetic location: 2p16.3.
Variant type: Microsatellite.
Coding change: c.4083GACT[1] on transcript NM_000179.3 (MANE Select); one copy of the 4-base unit GACT starting at c.4083; the reference has two copies in a row; one copy, 4 bases deleted.
Protein change: p.Ter1361=.
Molecular consequence: no sequence alteration.
Genome position (GRCh38, 1-based): chr2:47,806,864-47,806,867, GACT deleted; deleting any 4 consecutive bases within chr2:47,806,860-47,806,867 gives the same sequence; the position shown is the placement nearest the transcript's 3' end. VCF-style (leftmost placement, unchanged base first): chr2-47806859-AGACT-A. GRCh37 (hg19) VCF-style: chr2-48033998-AGACT-A.
Other names: c.3693GACT[1], p.Ter1231= (NM_001281492.2); c.3177GACT[1], p.Ter1059= (NM_001281493.2, NM_001281494.2).
Identifiers: ClinVar variation 926219 (VCV000926219.6), dbSNP rs765313977, ClinGen allele CA1649518.

ClinVar aggregate classification (germline): Conflicting classifications of pathogenicity. Review status: criteria provided, conflicting classifications (1 of 4 stars). 3 submissions from 3 submitters: Uncertain significance (2); Benign (1). Last evaluated 2025-01-09.

Conditions:
Hereditary nonpolyposis colorectal neoplasms. Identifiers: MedGen C0009405, MeSH D003123.
Hereditary cancer-predisposing syndrome. Also called: Neoplastic Syndromes, Hereditary; Tumor predisposition; Hereditary Cancer Syndrome; Hereditary neoplastic syndrome. Identifiers: Orphanet 140162, MedGen C0027672, MeSH D009386, MONDO:0015356.
Lynch syndrome 5 (LYNCH5). Also called: Colorectal cancer, hereditary nonpolyposis, type 5; Hereditary non-polyposis colorectal cancer, type 5. Identifiers: Orphanet 144, MedGen C1833477, MONDO:0013710, OMIM 614350. Disease mechanism: loss of function.

Submissions (3):

Myriad Genetics, Inc.
Classification: Benign for Lynch syndrome 5. Last evaluated: 2025-01-09. Review status: criteria provided, single submitter. Criteria: Myriad Autosomal Dominant, Autosomal Recessive and X-Linked Classification Criteria (2023). Collection method: clinical testing. Allele origin: unknown.
Comment: This variant is considered benign. This variant occurs in the non-coding 3' untranslated region of the gene, and is not expected to impact protein function.

Labcorp Genetics (formerly Invitae), Labcorp
Classification: Uncertain significance for Hereditary nonpolyposis colorectal neoplasms. Last evaluated: 2023-12-26. Review status: criteria provided, single submitter. Criteria: Invitae Variant Classification Sherloc (09022015). Collection method: clinical testing. Allele origin: germline.
Comment: This variant occurs in a non-coding region of the MSH6 gene. It does not change the encoded amino acid sequence of the MSH6 protein. This variant is present in population databases (rs765313977, gnomAD 0.007%). This variant has not been reported in the literature in individuals affected with MSH6-related conditions. ClinVar contains an entry for this variant (Variation ID: 926219). Experimental studies and prediction algorithms are not available or were not evaluated, and the functional significance of this variant is currently unknown. In summary, the available evidence is currently insufficient to determine the role of this variant in disease. Therefore, it has been classified as a Variant of Uncertain Significance.

Color Diagnostics, LLC DBA Color Health
Classification: Uncertain significance for Hereditary cancer-predisposing syndrome. Last evaluated: 2019-06-19. Review status: criteria provided, single submitter. Criteria: ACMG Guidelines, 2015. Collection method: clinical testing. Allele origin: germline.